The following is an entry in ClinVar:

NM_000092.5(COL4A4):c.1652_1653delinsAA (p.Gly551Glu)

Gene: COL4A4 (collagen type IV alpha 4 chain; minus strand). Cytogenetic location: 2q36.3.
Variant type: Indel.
Coding change: c.1652_1653delinsAA on transcript NM_000092.5 (MANE Select); coding-DNA positions 1652 to 1653, GC replaced by AA.
Protein change: p.Gly551Glu; replaces glycine 551 with glutamic acid.
Molecular consequence: missense variant.
Genome position (GRCh38, 1-based): chr2:227,082,158-227,082,159, GC replaced by TT on the plus strand (GC replaced by AA on the coding strand, the reverse complement: COL4A4 is on the minus strand). VCF-style: chr2-227082158-GC-TT. GRCh37 (hg19) VCF-style: chr2-227946874-GC-TT.
Other names: short protein forms G551E.
Identifiers: ClinVar variation 3383052 (VCV003383052.2).

ClinVar aggregate classification (germline): Uncertain significance (1 of 4 stars; one submission).

Conditions:
Autosomal recessive Alport syndrome (ATS2). Also called: Alport syndrome type 2; ALPORT SYNDROME 2, AUTOSOMAL RECESSIVE; COL4A4 Alport Syndrome and Thin Basement Membrane Nephropathy; COL4A3-Related Nephropathy. Identifiers: Orphanet 63, Orphanet 88919, MedGen C4746745, MONDO:0008762, OMIM 203780.
Hematuria, benign familial, 1 (BFH1). Also called: THIN MEMBRANE NEPHROPATHY. Identifiers: MedGen CN376803, MONDO:0007709, OMIM 141200.

Submission:

Juno Genomics, Hangzhou Juno Genomics, Inc
Classification: Uncertain significance for Autosomal recessive Alport syndrome; Hematuria, benign familial, 1. Review status: criteria provided, single submitter. Criteria: ACMG Guidelines, 2015. Collection method: clinical testing. Allele origin: germline. Affected: yes.
Comment: Absent from controls (or at extremely low frequency if recessive) in Genome Aggregation Database, Exome Sequencing Project, 1000 Genomes Project, or Exome Aggregation Consortium.;Patient's phenotype or family history is highly specific for a disease with a single genetic etiology.